The following is an entry in ClinVar:

ClinVar aggregate classification (germline): Uncertain significance. Review status: criteria provided, multiple submitters, no conflicts (2 of 4 stars). 2 submissions from 2 submitters: Uncertain significance (2). Last evaluated 2023-05-08.

Allele frequency attached by ClinVar (database versions not stated): gnomAD 0.00001; TOPMed 0.00002.
gnomAD v4.1: 14 of 1,585,716 alleles (0.00088%); highest among the groups gnomAD compares: Non-Finnish European, 0.0012%; no homozygotes.

Submissions (2):

Labcorp Genetics (formerly Invitae), Labcorp
Classification: Uncertain significance. Last evaluated: 2023-05-08. Review status: criteria provided, single submitter. Criteria: Invitae Variant Classification Sherloc (09022015). Collection method: clinical testing. Allele origin: germline.
Comment: In summary, the available evidence is currently insufficient to determine the role of this variant in disease. Therefore, it has been classified as a Variant of Uncertain Significance. An algorithm developed to predict the effect of missense changes on protein structure and function (PolyPhen-2) suggests that this variant is likely to be disruptive. This variant has not been reported in the literature in individuals affected with NAF1-related conditions. This variant is not present in population databases (gnomAD no frequency). This sequence change replaces serine, which is neutral and polar, with leucine, which is neutral and non-polar, at codon 131 of the NAF1 protein (p.Ser131Leu).

Blueprint Genetics
Classification: Uncertain significance. Last evaluated: 2021-01-22. Review status: criteria provided, single submitter. Criteria: ACMG Guidelines, 2015. Collection method: clinical testing. Allele origin: germline.

NM_138386.3(NAF1):c.392C>T (p.Ser131Leu)

Gene: NAF1 (nuclear assembly factor 1 ribonucleoprotein; minus strand). Cytogenetic location: 4q32.2.
Variant type: single nucleotide variant.
Coding change: c.392C>T on transcript NM_138386.3 (MANE Select); coding-DNA position 392, C replaced by T.
Protein change: p.Ser131Leu; replaces serine 131 with leucine.
Molecular consequence: missense variant.
Genome position (GRCh38, 1-based): chr4:163,164,365, G>A on the plus strand (C>T on the coding strand, the complement: NAF1 is on the minus strand). VCF-style: chr4-163164365-G-A. GRCh37 (hg19) VCF-style: chr4-164085517-G-A.
Other names: c.392C>T, p.Ser131Leu (NM_001128931.2); short protein forms S131L.
Identifiers: ClinVar variation 2893271 (VCV002893271.4), dbSNP rs904885615, ClinGen allele CA110048682.